The following is an entry in ClinVar:

ClinVar aggregate classification (germline): Uncertain significance. Review status: criteria provided, multiple submitters, no conflicts (2 of 4 stars). 4 submissions from 4 submitters: Uncertain significance (3). 1 of the submissions does not count toward it. Last evaluated 2025-08-07.

Conditions:
Nephronophthisis 4 (NPHP4). Also called: NEPHRONOPHTHISIS 4, JUVENILE. Identifiers: Orphanet 655, MedGen C1847013, MONDO:0011752, OMIM 606966.
Senior-Loken syndrome 4 (SLSN4). Identifiers: Orphanet 3156, MedGen C1846979, MONDO:0011756, OMIM 606996.
NPHP4-related disorder. Also called: NPHP4-related disorders; NPHP4-related condition. Identifiers: MedGen CN239384.
Inborn genetic diseases. Identifiers: MedGen C0950123, MeSH D030342.
Nephronophthisis. Also called: Juvenile Nephronophthisis. Identifiers: Orphanet 655, MedGen C0687120, MONDO:0019005, HP:0000090.

gnomAD v4.1: 5 of 1,613,786 alleles (0.00031%); highest among the groups gnomAD compares: South Asian, 0.0011%; no homozygotes.

Submissions (4):

Ambry Genetics
Classification: Uncertain significance for Inborn genetic diseases. Last evaluated: 2025-08-07. Review status: criteria provided, single submitter. Criteria: Ambry Variant Classification Scheme 2023. Collection method: clinical testing. Allele origin: germline.

Labcorp Genetics (formerly Invitae), Labcorp
Classification: Uncertain significance for Nephronophthisis. Last evaluated: 2022-07-18. Review status: criteria provided, single submitter. Criteria: Invitae Variant Classification Sherloc (09022015). Collection method: clinical testing. Allele origin: germline.
Comment: This sequence change replaces asparagine, which is neutral and polar, with lysine, which is basic and polar, at codon 1084 of the NPHP4 protein (p.Asn1084Lys). This variant is not present in population databases (gnomAD no frequency). This variant has not been reported in the literature in individuals affected with NPHP4-related conditions. ClinVar contains an entry for this variant (Variation ID: 1440419). Algorithms developed to predict the effect of missense changes on protein structure and function (SIFT, PolyPhen-2, Align-GVGD) all suggest that this variant is likely to be tolerated. In summary, the available evidence is currently insufficient to determine the role of this variant in disease. Therefore, it has been classified as a Variant of Uncertain Significance.

Fulgent Genetics
Classification: Uncertain significance for Nephronophthisis 4; Senior-Loken syndrome 4. Last evaluated: 2021-11-10. Review status: criteria provided, single submitter. Criteria: ACMG Guidelines, 2015. Collection method: clinical testing. Allele origin: unknown.

PreventionGenetics, part of Exact Sciences
Classification: Uncertain significance for NPHP4-related condition. Last evaluated: 2024-05-31. Review status: no assertion criteria provided. Collection method: clinical testing. Allele origin: germline. Not counted in ClinVar's aggregate classification.
Comment: The NPHP4 c.3252C>G variant is predicted to result in the amino acid substitution p.Asn1084Lys. To our knowledge, this variant has not been reported in the literature or in a large population database, indicating this variant is rare. At this time, the clinical significance of this variant is uncertain due to the absence of conclusive functional and genetic evidence.

NM_015102.5(NPHP4):c.3252C>G (p.Asn1084Lys)

Gene: NPHP4 (nephrocystin 4; minus strand). Cytogenetic location: 1p36.31.
Variant type: single nucleotide variant.
Coding change: c.3252C>G on transcript NM_015102.5 (MANE Select); coding-DNA position 3252, C replaced by G.
Protein change: p.Asn1084Lys; replaces asparagine 1084 with lysine.
Molecular consequence: missense variant. On other transcripts: non-coding transcript variant (1).
Genome position (GRCh38, 1-based): chr1:5,873,315, G>C on the plus strand (C>G on the coding strand, the complement: NPHP4 is on the minus strand). VCF-style: chr1-5873315-G-C. GRCh37 (hg19) VCF-style: chr1-5933375-G-C.
Other names: c.3252C>G (NM_015102.4, NM_015102.3); c.1713C>G, p.Asn571Lys (NM_001291593.2); c.1716C>G, p.Asn572Lys (NM_001291594.2); short protein forms N572K, N1084K, N571K.
Identifiers: ClinVar variation 1440419 (VCV001440419.8), dbSNP rs778087914, ClinGen allele CA338054669.
Genomic context (GRCh38, chr1:5,873,315, plus strand): 5'-GGCGTGTTTAGTGGGCACTGCGCTGGACTTCCAAGGTGACACGGCGTCCATGCCCTTCTC[G>C]TTGCTCAACCCAGGAGAGGCCTGCAGGAACCGAACAGCACAAGCAGGTCAGGAAGCAACA-3'
Protein context (NP_055917.1, residues 1074-1094): AMVQASPGLS[Asn1084Lys]EKGMDAVSPW